The following is an entry in ClinVar:

ClinVar aggregate classification (germline): Pathogenic (1 of 4 stars; one submission).

Conditions:
Deficiency of hyaluronoglucosaminidase (MPS9). Also called: HYALURONIDASE DEFICIENCY; MPS IX; Mucopolysaccharidosis type 9. Identifiers: Orphanet 67041, MedGen C1291490, MONDO:0011093, OMIM 601492.

Submission:

Labcorp Genetics (formerly Invitae), Labcorp
Classification: Pathogenic for Deficiency of hyaluronoglucosaminidase. Last evaluated: 2023-03-26. Review status: criteria provided, single submitter. Criteria: Invitae Variant Classification Sherloc (09022015). Collection method: clinical testing. Allele origin: germline.
Comment: This sequence change creates a premature translational stop signal (p.Gly200Alafs*14) in the HYAL1 gene. It is expected to result in an absent or disrupted protein product. Loss-of-function variants in HYAL1 are known to be pathogenic (PMID: 10339581, 21559944). This variant is not present in population databases (gnomAD no frequency). This variant has not been reported in the literature in individuals affected with HYAL1-related conditions. For these reasons, this variant has been classified as Pathogenic.

Literature cited by the submitters: PubMed 10339581; PubMed 21559944.

NM_033159.4(HYAL1):c.599del (p.Gly200fs)

Gene: HYAL1 (hyaluronidase 1; minus strand). Cytogenetic location: 3p21.31.
Variant type: Deletion.
Coding change: c.599del on transcript NM_033159.4 (MANE Select); coding-DNA position 599, one base deleted (G; older notation c.599delG).
Protein change: p.Gly200fs; shifts the reading frame from glycine 200.
Molecular consequence: frameshift variant. On other transcripts: non-coding transcript variant (1), intron variant (1).
Genome position (GRCh38, 1-based): chr3:50,302,358, C deleted on the plus strand (G on the coding strand, the reverse complement: HYAL1 is on the minus strand); the first of 4 consecutive C bases (chr3:50,302,358-50,302,361); deleting any one gives the same sequence. VCF-style (leftmost placement, unchanged base first): chr3-50302357-GC-G. GRCh37 (hg19) VCF-style: chr3-50339788-GC-G.
Other names: c.596delG, p.Gly200Alafs (NM_007312.3); c.599del, p.Gly200fs (NM_153281.2, NM_153282.3); c.53del, p.Gly18fs (NM_153283.3); c.-26-153del (NM_153285.3); short protein forms G18fs, G200fs.
Identifiers: ClinVar variation 2849597 (VCV002849597.3), dbSNP rs2470850881, ClinGen allele CA2739278567.